The following is an entry in ClinVar:

ClinVar aggregate classification (germline): Uncertain significance (1 of 4 stars; one submission).

Conditions:
Fanconi anemia (FA). Also called: Fanconi's anemia. Identifiers: Orphanet 84, MedGen C0015625, MeSH D005199, MONDO:0019391.

Submission:

Sema4
Classification: Uncertain significance for Fanconi anemia. Last evaluated: 2021-11-19. Review status: criteria provided, single submitter. Criteria: Sema4 Curation Guidelines. Collection method: curation. Allele origin: germline.
Comment: The FANCA c.2223-8C>T variant has not been reported in the literature to our knowledge. It was not observed in the large and broad cohorts of the Genome Aggregation Database and has not been reported in ClinVar. In silico tools suggest the variant may not have an impact on splicing, though these predictions have not been confirmed by functional studies. The evidence is insufficient to meet ACMG/AMP criteria for classifying the variant as benign or pathogenic. Thus, the clinical significance of this variant is currently uncertain.

NM_000135.4(FANCA):c.2223-8C>T

Gene: FANCA (FA complementation group A; minus strand). Cytogenetic location: 16q24.3.
Variant type: single nucleotide variant.
Coding change: c.2223-8C>T on transcript NM_000135.4 (MANE Select); 8 bases into the intron before coding-DNA position 2223, C replaced by T.
Molecular consequence: intron variant.
Genome position (GRCh38, 1-based): chr16:89,770,267, G>A on the plus strand (C>T on the coding strand, the complement: FANCA is on the minus strand). VCF-style: chr16-89770267-G-A. GRCh37 (hg19) VCF-style: chr16-89836675-G-A.
Other names: c.2223-8C>T (NM_001286167.3).
Identifiers: ClinVar variation 1692206 (VCV001692206.1), dbSNP rs1598110961, ClinGen allele CA2573152933.
Genomic context (GRCh38, chr16:89,770,267, plus strand): 5'-GGAGCACACGTCCACACATGGTCCTCACGAAGAGGGCAGCCCAGGGACCCTGCCTGCAGA[G>A]ACAGCCGTGAAACCATCAGTACTAGCCATTCAGTCCTGCACATCCCTCCAACAGCTAATC-3'